The following is an entry in ClinVar:

ClinVar aggregate classification (germline): Uncertain significance. Review status: criteria provided, multiple submitters, no conflicts (2 of 4 stars). 2 submissions from 2 submitters: Uncertain significance (2). Last evaluated 2026-07-06.

Conditions:
Hereditary cancer-predisposing syndrome. Also called: Tumor predisposition; Hereditary neoplastic syndrome; Neoplastic Syndromes, Hereditary; Hereditary Cancer Syndrome. Identifiers: Orphanet 140162, MedGen C0027672, MeSH D009386, MONDO:0015356.

Submissions (2):

Ambry Genetics
Classification: Uncertain significance for Hereditary cancer-predisposing syndrome. Last evaluated: 2026-07-06. Review status: criteria provided, single submitter. Criteria: Ambry Variant Classification Scheme 2023. Collection method: clinical testing. Allele origin: germline.
Comment: The p.R250K variant (also known as c.749G>A), located in coding exon 5 of the NTHL1 gene, results from a G to A substitution at nucleotide position 749. The arginine at codon 250 is replaced by lysine, an amino acid with highly similar properties. This amino acid position is conserved. In addition, this alteration is predicted to be tolerated by in silico analysis. Based on the available evidence, the clinical significance of this variant remains unclear.

Labcorp Genetics (formerly Invitae), Labcorp
Classification: Uncertain significance. Last evaluated: 2023-07-07. Review status: criteria provided, single submitter. Criteria: Invitae Variant Classification Sherloc (09022015). Collection method: clinical testing. Allele origin: germline.
Comment: This sequence change replaces arginine, which is basic and polar, with lysine, which is basic and polar, at codon 250 of the NTHL1 protein (p.Arg250Lys). This variant is not present in population databases (gnomAD no frequency). This variant has not been reported in the literature in individuals affected with NTHL1-related conditions. ClinVar contains an entry for this variant (Variation ID: 1717355). Algorithms developed to predict the effect of missense changes on protein structure and function output the following: SIFT: "Not Available"; PolyPhen-2: "Benign"; Align-GVGD: "Not Available". The lysine amino acid residue is found in multiple mammalian species, which suggests that this missense change does not adversely affect protein function. In summary, the available evidence is currently insufficient to determine the role of this variant in disease. Therefore, it has been classified as a Variant of Uncertain Significance.

NM_002528.7(NTHL1):c.725G>A (p.Arg242Lys)

Gene: NTHL1 (nth like DNA glycosylase 1; minus strand). Cytogenetic location: 16p13.3.
Variant type: single nucleotide variant.
Coding change: c.725G>A on transcript NM_002528.7 (MANE Select); coding-DNA position 725, G replaced by A.
Protein change: p.Arg242Lys; replaces arginine 242 with lysine.
Molecular consequence: missense variant.
Genome position (GRCh38, 1-based): chr16:2,040,199, C>T on the plus strand (G>A on the coding strand, the complement: NTHL1 is on the minus strand). VCF-style: chr16-2040199-C-T. GRCh37 (hg19) VCF-style: chr16-2090200-C-T.
Other names: c.554G>A, p.Arg185Lys (NM_001318193.2); c.395G>A, p.Arg132Lys (NM_001318194.2); c.749G>A (NM_002528.5); short protein forms R132K, R185K, R242K.
Identifiers: ClinVar variation 1717355 (VCV001717355.7), dbSNP rs2084243345, ClinGen allele CA394289128.
Genomic context (GRCh38, chr16:2,040,199, plus strand): 5'-AGCCACTCCTCCAGGGCGGCGCGGGTCTCCTCTGGGGACTTGGTTGCCTTCTTGGTCCAC[C>T]TCAGCCTGTTGGCGATTCTGTGCACATGCGTGTCCACTGCTGCTGGGAGGCCAAGCGGGG-3'
Protein context (NP_002519.2, residues 232-252): THVHRIANRL[Arg242Lys]WTKKATKSPE